The following is an entry in ClinVar:

NM_032436.4(CHAMP1):c.2082T>C (p.Ser694=)

Gene: CHAMP1 (chromosome alignment maintaining phosphoprotein 1; plus strand). Cytogenetic location: 13q34.
Variant type: single nucleotide variant.
Coding change: c.2082T>C on transcript NM_032436.4 (MANE Select); coding-DNA position 2082, T replaced by C.
Protein change: p.Ser694=; no amino-acid change (serine 694 retained).
Molecular consequence: synonymous variant.
Genome position (GRCh38, 1-based): chr13:114,325,924, T>C. VCF-style: chr13-114325924-T-C. GRCh37 (hg19) VCF-style: chr13-115091399-T-C.
Other names: c.2082T>C, p.Ser694= (NM_001164144.3, NM_001164145.3); c.2082T>C (NM_001164145.2).
Identifiers: ClinVar variation 1302799 (VCV001302799.5), dbSNP rs9525332, ClinGen allele CA7070953.

ClinVar aggregate classification (germline): Benign. Review status: criteria provided, multiple submitters, no conflicts (2 of 4 stars). 3 submissions from 3 submitters: Benign (2). 1 of the submissions does not count toward it. Last evaluated 2021-07-30.

Conditions:
CHAMP1-related disorder. Also called: CHAMP1-related condition.

Allele frequency attached by ClinVar (database versions not stated): ESP Exome Variant Server 0.08381; gnomAD 0.09430; TOPMed 0.10271; 1000 Genomes Project 0.12101; 1000 Genomes Project 30x 0.12117.
gnomAD v4.1: 134,757 of 1,614,028 alleles (8.3%); highest among the groups gnomAD compares: Admixed American, 18%; 6,441 homozygotes.

Submissions (3):

GeneDx
Classification: Benign. Last evaluated: 2021-07-30. Review status: criteria provided, single submitter. Criteria: GeneDx Variant Classification Process June 2021. Collection method: clinical testing. Allele origin: germline. Affected: yes.

Breakthrough Genomics
Classification: Benign. Review status: criteria provided, single submitter. Criteria: ACMG Guidelines, 2015. Collection method: not provided. Allele origin: germline. Inheritance: Autosomal dominant inheritance. Affected: yes.

PreventionGenetics, part of Exact Sciences
Classification: Benign for CHAMP1-related condition. Last evaluated: 2019-03-28. Review status: no assertion criteria provided. Collection method: clinical testing. Allele origin: germline. Not counted in ClinVar's aggregate classification.
Comment: This variant is classified as benign based on ACMG/AMP sequence variant interpretation guidelines (Richards et al. 2015 PMID: 25741868, with internal and published modifications).